The following is an entry in ClinVar:

ClinVar aggregate classification (germline): Conflicting classifications of pathogenicity. Review status: criteria provided, conflicting classifications (1 of 4 stars). 3 submissions from 3 submitters: Uncertain significance (2); Likely benign (1). Last evaluated 2025-08-20.

Conditions:
Familial hemophagocytic lymphohistiocytosis 2 (FHL2). Also called: PRF1-Related Familial Hemophagocytic Lymphohistiocytosis (PRF1-fHLH). Identifiers: Orphanet 540, MedGen C1863727, MONDO:0011337, OMIM 603553.

Allele frequency attached by ClinVar (database versions not stated): gnomAD exomes below 0.00001; ExAC 0.00001.

Submissions (3):

Myriad Genetics, Inc.
Classification: Uncertain significance for Familial hemophagocytic lymphohistiocytosis 2. Last evaluated: 2025-08-20. Review status: criteria provided, single submitter. Criteria: Myriad Autosomal Dominant, Autosomal Recessive and X-Linked Classification Criteria (2023). Collection method: clinical testing. Allele origin: unknown.
Comment: NM_001083116.1(PRF1):c.1005C>A(S335R) is a missense variant classified as a variant of uncertain significance in the context of familial hemophagocytic lymphohistiocytosis, PRF1-related. S335R has been observed in a case with relevant disease (PMID: 32375849). Relevant functional assessments of this variant are not available in the literature. S335R has been observed in referenced population frequency databases. In summary, there is insufficient evidence to classify NM_001083116.1(PRF1):c.1005C>A(S335R) as pathogenic or benign. Please note: this variant was assessed in the context of healthy population screening.

Labcorp Genetics (formerly Invitae), Labcorp
Classification: Uncertain significance for Familial hemophagocytic lymphohistiocytosis 2. Last evaluated: 2022-03-14. Review status: criteria provided, single submitter. Criteria: Invitae Variant Classification Sherloc (09022015). Collection method: clinical testing. Allele origin: germline.
Comment: This sequence change replaces serine, which is neutral and polar, with arginine, which is basic and polar, at codon 335 of the PRF1 protein (p.Ser335Arg). This variant is present in population databases (rs758844674, gnomAD 0.01%). This variant has not been reported in the literature in individuals affected with PRF1-related conditions. Algorithms developed to predict the effect of missense changes on protein structure and function output the following: SIFT: "Tolerated"; PolyPhen-2: "Benign"; Align-GVGD: "Class C0". The arginine amino acid residue is found in multiple mammalian species, which suggests that this missense change does not adversely affect protein function. In summary, the available evidence is currently insufficient to determine the role of this variant in disease. Therefore, it has been classified as a Variant of Uncertain Significance.

Blueprint Genetics
Classification: Likely benign. Last evaluated: 2021-10-28. Review status: criteria provided, single submitter. Criteria: ACMG Guidelines, 2015. Collection method: clinical testing. Allele origin: germline.

Literature cited by the submitters: PubMed 32375849 (cited by Myriad Genetics, Inc.).

NM_001083116.3(PRF1):c.1005C>A (p.Ser335Arg)

Gene: PRF1 (perforin 1; minus strand). Cytogenetic location: 10q22.1.
Variant type: single nucleotide variant.
Coding change: c.1005C>A on transcript NM_001083116.3 (MANE Select); coding-DNA position 1005, C replaced by A.
Protein change: p.Ser335Arg; replaces serine 335 with arginine.
Molecular consequence: missense variant.
Genome position (GRCh38, 1-based): chr10:70,598,716, G>T on the plus strand (C>A on the coding strand, the complement: PRF1 is on the minus strand). VCF-style: chr10-70598716-G-T. GRCh37 (hg19) VCF-style: chr10-72358472-G-T.
Other names: c.1005C>A, p.Ser335Arg (NM_005041.6); short protein forms S335R.
Identifiers: ClinVar variation 1954901 (VCV001954901.4), dbSNP rs758844674, ClinGen allele CA5538852.
Genomic context (GRCh38, chr10:70,598,716, plus strand): 5'-CGGGTCCTGGCTGTCCAGCAGCACGTGCAGGGGTTCCAGGGTGTAGTCCACCAGGCCAGG[G>T]CTGCCGGGCAGCGAGTTTACCCAGGCTGAGTACTGCTCGGGCCCGGCCTGGATCCCGAAC-3'
Protein context (NP_001076585.1, residues 325-345): YSAWVNSLPG[Ser335Arg]PGLVDYTLEP